The following is an entry in ClinVar:

ClinVar aggregate classification (germline): Benign. Review status: criteria provided, multiple submitters, no conflicts (2 of 4 stars). 4 submissions from 4 submitters: Benign (4). Last evaluated 2026-02-01.

Conditions:
SYNE2-related disorder. Also called: SYNE2-related condition.
Emery-Dreifuss muscular dystrophy 5, autosomal dominant (EDMD5). Also called: EMERY-DREIFUSS MUSCULAR DYSTROPHY 5. Identifiers: Orphanet 261, MedGen C2751805, MONDO:0013072, OMIM 612999.

Allele frequency attached by ClinVar (database versions not stated): gnomAD exomes 0.00073 and 0.00233; ExAC 0.00274; gnomAD 0.00853 and 0.00911; 1000 Genomes Project 0.00919; 1000 Genomes Project 30x 0.00937; ESP Exome Variant Server 0.01000; TOPMed 0.01005.
gnomAD v4.1: 2,448 of 1,614,184 alleles (0.15%); highest among the groups gnomAD compares: African/African-American, 2.8%; 29 homozygotes.

Submissions (4):

Labcorp Genetics (formerly Invitae), Labcorp
Classification: Benign for Emery-Dreifuss muscular dystrophy 5, autosomal dominant. Last evaluated: 2026-02-01. Review status: criteria provided, single submitter. Criteria: Invitae Variant Classification Sherloc (09022015). Collection method: clinical testing. Allele origin: germline.

PreventionGenetics, part of Exact Sciences
Classification: Benign for SYNE2-related condition. Last evaluated: 2025-02-11. Review status: criteria provided, single submitter. Criteria: ACMG Guidelines, 2015. Collection method: clinical testing. Allele origin: germline.
Comment: This variant is classified as benign based on ACMG/AMP sequence variant interpretation guidelines (Richards et al. 2015 PMID: 25741868, with internal and published modifications).

Illumina Laboratory Services, Illumina
Classification: Benign for Emery-Dreifuss muscular dystrophy 5, autosomal dominant. Last evaluated: 2018-01-13. Review status: criteria provided, single submitter. Criteria: ICSL Variant Classification Criteria 13 December 2019. Collection method: clinical testing. Allele origin: germline.
Comment: This variant was observed in the ICSL laboratory as part of a predisposition screen in an ostensibly healthy population. It had not been previously curated by ICSL or reported in the Human Gene Mutation Database (HGMD: prior to June 1st, 2018), and was therefore a candidate for classification through an automated scoring system. Utilizing variant allele frequency, disease prevalence and penetrance estimates, and inheritance mode, an automated score was calculated to assess if this variant is too frequent to cause the disease. Based on the score and internal cut-off values, a variant classified as benign is not then subjected to further curation. The score for this variant resulted in a classification of benign for this disease.

Breakthrough Genomics
Classification: Benign. Review status: criteria provided, single submitter. Criteria: ACMG Guidelines, 2015. Collection method: not provided. Allele origin: germline. Inheritance: Autosomal dominant inheritance. Affected: yes.

NM_182914.3(SYNE2):c.13280+3A>G

Gene: SYNE2 (spectrin repeat containing nuclear envelope protein 2; plus strand). Cytogenetic location: 14q23.2.
Variant type: single nucleotide variant.
Coding change: c.13280+3A>G on transcript NM_182914.3 (MANE Select); 3 bases into the intron after coding-DNA position 13280, A replaced by G.
Molecular consequence: intron variant.
Genome position (GRCh38, 1-based): chr14:64,122,136, A>G. VCF-style: chr14-64122136-A-G. GRCh37 (hg19) VCF-style: chr14-64588854-A-G.
Other names: c.13280+3A>G (NM_015180.6).
Identifiers: ClinVar variation 313585 (VCV000313585.17), dbSNP rs113145581, ClinGen allele CA7222384.